The following is an entry in ClinVar:

NM_012238.5(SIRT1):c.192_218del (p.Arg65_Ala73del)

Genes: SIRT1 (sirtuin 1; plus strand), LOC107832851 (SIRT1 promoter region; plus strand). Cytogenetic location: 10q21.3.
Variant type: Deletion.
Coding change: c.192_218del on transcript NM_012238.5 (MANE Select); coding-DNA positions 192 to 218, 27 bases deleted (CAGGGGCTGCCCGGGTGCGGCGGCGGC).
Protein change: p.Arg65_Ala73del.
Genome position (GRCh38, 1-based): chr10:67,884,913-67,884,939, CAGGGGCTGCCCGGGTGCGGCGGCGGC deleted; deleting any 27 consecutive bases within chr10:67,884,903-67,884,939 gives the same sequence; the c. name uses the placement nearest the transcript's 3' end. VCF-style (leftmost placement, unchanged base first): chr10-67884902-CCGGCGGCGGCCAGGGGCTGCCCGGGTG-C. GRCh37 (hg19) VCF-style: chr10-69644660-CCGGCGGCGGCCAGGGGCTGCCCGGGTG-C.
Identifiers: ClinVar variation 4796928 (VCV004796928.1).

ClinVar aggregate classification (germline): Uncertain significance (1 of 4 stars; one submission).

Submission:

Labcorp Genetics (formerly Invitae), Labcorp
Classification: Uncertain significance. Last evaluated: 2025-04-12. Review status: criteria provided, single submitter. Criteria: Invitae Variant Classification Sherloc (09022015). Collection method: clinical testing. Allele origin: germline.
Comment: This variant, c.192_218del, results in the deletion of 9 amino acid(s) of the SIRT1 protein (p.Arg65_Ala73del), but otherwise preserves the integrity of the reading frame. This variant is not present in population databases (gnomAD no frequency). This variant has not been reported in the literature in individuals affected with SIRT1-related conditions. Experimental studies and prediction algorithms are not available or were not evaluated, and the functional significance of this variant is currently unknown. In summary, the available evidence is currently insufficient to determine the role of this variant in disease. Therefore, it has been classified as a Variant of Uncertain Significance.